The following is an entry in ClinVar:

ClinVar aggregate classification (germline): Uncertain significance (1 of 4 stars; one submission).

Conditions:
Cardiovascular phenotype. Identifiers: MedGen CN230736.

gnomAD v4.1: 11 of 1,614,052 alleles (0.00068%); highest among the groups gnomAD compares: Non-Finnish European, 0.00093%; no homozygotes.

Submission:

Ambry Genetics
Classification: Uncertain significance for Cardiovascular phenotype. Last evaluated: 2026-07-21. Review status: criteria provided, single submitter. Criteria: Ambry Variant Classification Scheme 2023. Collection method: clinical testing. Allele origin: germline.
Comment: The p.Q3827K variant (also known as c.11479C>A), located in coding exon 43 of the ANK2 gene, results from a C to A substitution at nucleotide position 11479. The glutamine at codon 3827 is replaced by lysine, an amino acid with similar properties. This amino acid position is conserved. In addition, the in silico prediction for this alteration is inconclusive. Based on the available evidence, the clinical significance of this variant remains unclear.

NM_001148.6(ANK2):c.11479C>A (p.Gln3827Lys)

Gene: ANK2 (ankyrin 2; plus strand). Cytogenetic location: 4q26.
Variant type: single nucleotide variant.
Coding change: c.11479C>A on transcript NM_001148.6 (MANE Select); coding-DNA position 11479, C replaced by A.
Protein change: p.Gln3827Lys; replaces glutamine 3827 with lysine.
Molecular consequence: missense variant.
Genome position (GRCh38, 1-based): chr4:113,369,674, C>A. VCF-style: chr4-113369674-C-A. GRCh37 (hg19) VCF-style: chr4-114290830-C-A.
Other names: c.5260C>A, p.Gln1754Lys (NM_001354232.2); c.5221C>A, p.Gln1741Lys (NM_001354235.2, NM_001354246.2, NM_001354265.2); c.5122C>A, p.Gln1708Lys (NM_001354236.2); c.5302C>A, p.Gln1768Lys (NM_001354237.2); c.5194C>A, p.Gln1732Lys (NM_001354239.2, NM_001354252.2); c.5269C>A, p.Gln1757Lys (NM_001354240.2, NM_001354241.2, NM_001386144.1); c.5266C>A, p.Gln1756Lys (NM_001354242.2, NM_001354231.2); c.5161C>A, p.Gln1721Lys (NM_001354243.2, NM_001354255.2, NM_001386143.1); and 35 more; short protein forms Q1655K, Q1664K, Q1671K, Q1676K, Q1680K, Q1708K, Q1735K, Q1742K.
Identifiers: ClinVar variation 5021993 (VCV005021993.1).